The following is an entry in ClinVar:

ClinVar aggregate classification (germline): Uncertain significance (1 of 4 stars; one submission).

Allele frequency attached by ClinVar (database versions not stated): gnomAD exomes below 0.00001; TOPMed 0.00002.
gnomAD v4.1: 4 of 1,515,692 alleles (0.00026%); highest among the groups gnomAD compares: East Asian, 0.0025%; no homozygotes.

Submission:

Labcorp Genetics (formerly Invitae), Labcorp
Classification: Uncertain significance. Last evaluated: 2022-05-05. Review status: criteria provided, single submitter. Criteria: Invitae Variant Classification Sherloc (09022015). Collection method: clinical testing. Allele origin: germline.
Comment: This variant has not been reported in the literature in individuals affected with TMEM132E-related conditions. Algorithms developed to predict the effect of missense changes on protein structure and function are either unavailable or do not agree on the potential impact of this missense change (SIFT: "Tolerated"; PolyPhen-2: "Not Available"; Align-GVGD: "Class C0"). In summary, the available evidence is currently insufficient to determine the role of this variant in disease. Therefore, it has been classified as a Variant of Uncertain Significance. This variant is not present in population databases (gnomAD no frequency). This sequence change replaces glycine, which is neutral and non-polar, with aspartic acid, which is acidic and polar, at codon 247 of the TMEM132E protein (p.Gly247Asp).

NM_001304438.2(TMEM132E):c.740G>A (p.Gly247Asp)

Gene: TMEM132E (transmembrane protein 132E; plus strand). Cytogenetic location: 17q12.
Variant type: single nucleotide variant.
Coding change: c.740G>A on transcript NM_001304438.2 (MANE Select); coding-DNA position 740, G replaced by A.
Protein change: p.Gly247Asp; replaces glycine 247 with aspartic acid.
Molecular consequence: missense variant.
Genome position (GRCh38, 1-based): chr17:34,626,799, G>A. VCF-style: chr17-34626799-G-A. GRCh37 (hg19) VCF-style: chr17-32953818-G-A.
Other names: short protein forms G247D.
Identifiers: ClinVar variation 2077070 (VCV002077070.4), dbSNP rs1167577954, ClinGen allele CA728340496.